The following is an entry in ClinVar:

NM_138576.4(BCL11B):c.1112C>G (p.Ala371Gly)

Gene: BCL11B (BCL11 transcription factor B; minus strand). Cytogenetic location: 14q32.2.
Variant type: single nucleotide variant.
Coding change: c.1112C>G on transcript NM_138576.4 (MANE Select); coding-DNA position 1112, C replaced by G.
Protein change: p.Ala371Gly; replaces alanine 371 with glycine.
Molecular consequence: missense variant.
Genome position (GRCh38, 1-based): chr14:99,175,724, G>C on the plus strand (C>G on the coding strand, the complement: BCL11B is on the minus strand). VCF-style: chr14-99175724-G-C. GRCh37 (hg19) VCF-style: chr14-99642061-G-C.
Other names: c.1109C>G, p.Ala370Gly (NM_001282237.2); c.896C>G, p.Ala299Gly (NM_001282238.2); c.899C>G, p.Ala300Gly (NM_022898.3); short protein forms A370G, A371G, A299G, A300G.
Identifiers: ClinVar variation 1433671 (VCV001433671.6), dbSNP rs1461212058, ClinGen allele CA390936082.

ClinVar aggregate classification (germline): Uncertain significance (1 of 4 stars; one submission).

Submission:

Labcorp Genetics (formerly Invitae), Labcorp
Classification: Uncertain significance. Last evaluated: 2021-12-02. Review status: criteria provided, single submitter. Criteria: Invitae Variant Classification Sherloc (09022015). Collection method: clinical testing. Allele origin: germline.
Comment: This sequence change replaces alanine, which is neutral and non-polar, with glycine, which is neutral and non-polar, at codon 371 of the BCL11B protein (p.Ala371Gly). This variant is not present in population databases (gnomAD no frequency). This variant has not been reported in the literature in individuals affected with BCL11B-related conditions. Algorithms developed to predict the effect of missense changes on protein structure and function are either unavailable or do not agree on the potential impact of this missense change (SIFT: "Deleterious"; PolyPhen-2: "Probably Damaging"; Align-GVGD: "Class C0"). In summary, the available evidence is currently insufficient to determine the role of this variant in disease. Therefore, it has been classified as a Variant of Uncertain Significance.